The following is an entry in ClinVar:

NM_000341.4(SLC3A1):c.1190A>G (p.Tyr397Cys)

Gene: SLC3A1 (solute carrier family 3 member 1; plus strand). Cytogenetic location: 2p21.
Variant type: single nucleotide variant.
Coding change: c.1190A>G on transcript NM_000341.4 (MANE Select); coding-DNA position 1190, A replaced by G.
Protein change: p.Tyr397Cys; replaces tyrosine 397 with cysteine.
Molecular consequence: missense variant.
Genome position (GRCh38, 1-based): chr2:44,304,196, A>G. VCF-style: chr2-44304196-A-G. GRCh37 (hg19) VCF-style: chr2-44531335-A-G.
Other names: short protein forms Y397C.
Identifiers: ClinVar variation 3377753 (VCV003377753.5).
Genomic context (GRCh38, chr2:44,304,196, plus strand): 5'-CTTATAGGTTCATGGGGACTGAAGCCTATGCAGAGAGTATTGACAGGACCGTGATGTACT[A>G]TGGATTGCCATTTATCCAAGAAGCTGATTTTCCCTTCAACAATTACCTCAGCATGCTAGA-3'
Protein context (NP_000332.2, residues 387-407): AESIDRTVMY[Tyr397Cys]GLPFIQEADF

ClinVar aggregate classification (germline): Pathogenic/Likely pathogenic. Review status: criteria provided, multiple submitters, no conflicts (2 of 4 stars). 4 submissions from 4 submitters: Pathogenic (1); Likely pathogenic (3). Last evaluated 2024-03-15.

Conditions:
Cystinuria (CSNU). Also called: CYSTINURIA, TYPE I; CYSTINURIA, TYPE II; CYSTINURIA, TYPE III; Cystinuria, non-type I. Identifiers: Orphanet 214, MedGen C0010691, MONDO:0009067, OMIM 220100, HP:0003131.

gnomAD v4.1: 16 of 1,613,968 alleles (0.00099%); highest among the groups gnomAD compares: Admixed American, 0.0067%; no homozygotes.

Submissions (4):

Fulgent Genetics
Classification: Likely pathogenic for Cystinuria. Last evaluated: 2024-03-15. Review status: criteria provided, single submitter. Criteria: ACMG Guidelines, 2015. Collection method: clinical testing. Allele origin: germline.

Clinical Genetics Service, Universitary Hospital 12 de Octubre
Classification: Pathogenic for Cystinuria. Review status: criteria provided, single submitter. Criteria: ACMG Guidelines, 2015. Collection method: clinical testing. Allele origin: germline. Affected: yes.

Juno Genomics, Hangzhou Juno Genomics, Inc
Classification: Likely pathogenic for Cystinuria. Review status: criteria provided, single submitter. Criteria: ACMG Guidelines, 2015. Collection method: clinical testing. Allele origin: germline.
Comment: Absent from controls (or at extremely low frequency if recessive) in Genome Aggregation Database.;Multiple lines of computational evidence support a deleterious effect on the gene or gene product.;For recessive disorders, detected in trans with a pathogenic variant.;Patient's phenotype or family history is highly specific for a disease with a single genetic etiology.

Neuberg Centre For Genomic Medicine, NCGM
Classification: Likely pathogenic for Cystinuria. Review status: criteria provided, single submitter. Criteria: ACMG Guidelines, 2015. Collection method: clinical testing. Allele origin: germline. Inheritance: Autosomal recessive inheritance. Affected: yes.
Comment: The observed missense c.1190A>G (p.Tyr397Cys) variant in SLC3A1 gene has been reported previously in individuals affected with Cystinuria (Gaildrat et al., 2017; Wong et al., 2015). The p.Tyr397Cys variant is present with allele frequency of 0.003% in gnomAD Exomes. This variant has not been submitted to the ClinVar database. Multiple lines of computational evidence (Polyphen - Probably Damaging, SIFT - Damaging and MutationTaster - Disease causing) predict a damaging effect on protein structure and function for this variant. The reference amino acid of p.Tyr397Cys in SLC3A1 is predicted as conserved by GERP++ and PhyloP across 100 vertebrates. The amino acid Tyr at position 397 is changed to a Cys changing protein sequence and it might alter its composition and physico-chemical properties. However, additional functional studies will be required to prove the pathogenicity of this variant. For these reasons, this variant has been classified as Likely Pathogenic.